The following is an entry in ClinVar:

NM_001364905.1(LRBA):c.1395T>G (p.Ser465Arg)

Gene: LRBA (LPS responsive beige-like anchor protein; minus strand). Cytogenetic location: 4q31.3.
Variant type: single nucleotide variant.
Coding change: c.1395T>G on transcript NM_001364905.1 (MANE Select); coding-DNA position 1395, T replaced by G.
Protein change: p.Ser465Arg; replaces serine 465 with arginine.
Molecular consequence: missense variant.
Genome position (GRCh38, 1-based): chr4:150,908,432, A>C on the plus strand (T>G on the coding strand, the complement: LRBA is on the minus strand). VCF-style: chr4-150908432-A-C. GRCh37 (hg19) VCF-style: chr4-151829584-A-C.
Other names: c.1395T>G, p.Ser465Arg (NM_001199282.3, NM_001367550.1, NM_006726.5); short protein forms S465R.
Identifiers: ClinVar variation 1002917 (VCV001002917.10), dbSNP rs1731584014, ClinGen allele CA358433351.
Genomic context (GRCh38, chr4:150,908,432, plus strand): 5'-GTAATCCAACTGTGCAAAAAGTGGAAATAGTACTTGTACTCCTCCAATTGAATGCATTGC[A>C]CTTTGGATGGAATGTGTTAAAACTGCCTTTACATCCTTGTAAGATCAAAAACACAGTAAA-3'
Protein context (NP_001351834.1, residues 455-475): VKAVLTHSIQ[Ser465Arg]AMHSIGGVQV

ClinVar aggregate classification (germline): Uncertain significance. Review status: criteria provided, multiple submitters, no conflicts (2 of 4 stars). 2 submissions from 2 submitters: Uncertain significance (2). Last evaluated 2025-07-02.

Conditions:
Inborn genetic diseases. Identifiers: MedGen C0950123, MeSH D030342.
Combined immunodeficiency due to LRBA deficiency. Also called: Common variable immunodeficiency 8, with autoimmunity. Identifiers: Orphanet 445018, MedGen C3553512, MONDO:0013863, OMIM 614700.

Submissions (2):

Ambry Genetics
Classification: Uncertain significance for Inborn genetic diseases. Last evaluated: 2025-07-02. Review status: criteria provided, single submitter. Criteria: Ambry Variant Classification Scheme 2023. Collection method: clinical testing. Allele origin: germline.

Labcorp Genetics (formerly Invitae), Labcorp
Classification: Uncertain significance for Combined immunodeficiency due to LRBA deficiency. Last evaluated: 2020-04-23. Review status: criteria provided, single submitter. Criteria: Invitae Variant Classification Sherloc (09022015). Collection method: clinical testing. Allele origin: germline.
Comment: Algorithms developed to predict the effect of missense changes on protein structure and function are either unavailable or do not agree on the potential impact of this missense change (SIFT: "Tolerated"; PolyPhen-2: "Probably Damaging"; Align-GVGD: "Class C0"). In summary, the available evidence is currently insufficient to determine the role of this variant in disease. Therefore, it has been classified as a Variant of Uncertain Significance. This variant is not present in population databases (ExAC no frequency). This variant has not been reported in the literature in individuals with LRBA-related conditions. This sequence change replaces serine with arginine at codon 465 of the LRBA protein (p.Ser465Arg). The serine residue is weakly conserved and there is a moderate physicochemical difference between serine and arginine.